The following is an entry in ClinVar:

ClinVar aggregate classification (germline): Likely pathogenic (1 of 4 stars; one submission).

Submission:

Labcorp Genetics (formerly Invitae), Labcorp
Classification: Likely pathogenic. Last evaluated: 2024-05-31. Review status: criteria provided, single submitter. Criteria: Invitae Variant Classification Sherloc (09022015). Collection method: clinical testing. Allele origin: germline.
Comment: This sequence change affects a donor splice site in intron 22 of the TUBGCP6 gene. It is expected to disrupt RNA splicing. Variants that disrupt the donor or acceptor splice site typically lead to a loss of protein function (PMID: 16199547), and loss-of-function variants in TUBGCP6 are known to be pathogenic (PMID: 25344692). This variant is not present in population databases (gnomAD no frequency). This variant has not been reported in the literature in individuals affected with TUBGCP6-related conditions. Algorithms developed to predict the effect of sequence changes on RNA splicing suggest that this variant may disrupt the consensus splice site. In summary, the currently available evidence indicates that the variant is pathogenic, but additional data are needed to prove that conclusively. Therefore, this variant has been classified as Likely Pathogenic.

Literature cited by the submitters: PubMed 16199547; PubMed 25344692.

NM_020461.4(TUBGCP6):c.4954+1G>C

Gene: TUBGCP6 (tubulin gamma complex component 6; minus strand). Cytogenetic location: 22q13.33.
Variant type: single nucleotide variant.
Coding change: c.4954+1G>C on transcript NM_020461.4 (MANE Select); the canonical splice donor site of the intron after coding-DNA position 4954, G replaced by C.
Molecular consequence: splice donor variant.
Genome position (GRCh38, 1-based): chr22:50,218,487, C>G on the plus strand (G>C on the coding strand, the complement: TUBGCP6 is on the minus strand). VCF-style: chr22-50218487-C-G. GRCh37 (hg19) VCF-style: chr22-50656916-C-G.
Identifiers: ClinVar variation 3669978 (VCV003669978.2).